The following is an entry in ClinVar:

ClinVar aggregate classification (germline): Uncertain significance (1 of 4 stars; one submission).

Conditions:
Hypertrophic cardiomyopathy. Also called: HYPERTROPHIC MYOCARDIOPATHY. Identifiers: Orphanet 217569, MedGen C0007194, MeSH D002312, MONDO:0005045, HP:0001639.

Submission:

Labcorp Genetics (formerly Invitae), Labcorp
Classification: Uncertain significance for Hypertrophic cardiomyopathy. Last evaluated: 2022-04-17. Review status: criteria provided, single submitter. Criteria: Invitae Variant Classification Sherloc (09022015). Collection method: clinical testing. Allele origin: germline.
Comment: In summary, the available evidence is currently insufficient to determine the role of this variant in disease. Therefore, it has been classified as a Variant of Uncertain Significance. Algorithms developed to predict the effect of missense changes on protein structure and function are either unavailable or do not agree on the potential impact of this missense change (SIFT: "Deleterious"; PolyPhen-2: "Possibly Damaging"; Align-GVGD: "Class C0"). This variant has not been reported in the literature in individuals affected with MYH7-related conditions. This variant is not present in population databases (gnomAD no frequency). This sequence change replaces lysine, which is basic and polar, with threonine, which is neutral and polar, at codon 1930 of the MYH7 protein (p.Lys1930Thr).

NM_000257.4(MYH7):c.5789A>C (p.Lys1930Thr)

Gene: MYH7 (myosin heavy chain 7; minus strand). Cytogenetic location: 14q11.2.
Variant type: single nucleotide variant.
Coding change: c.5789A>C on transcript NM_000257.4 (MANE Select); coding-DNA position 5789, A replaced by C.
Protein change: p.Lys1930Thr; replaces lysine 1930 with threonine.
Molecular consequence: missense variant.
Genome position (GRCh38, 1-based): chr14:23,413,760, T>G on the plus strand (A>C on the coding strand, the complement: MYH7 is on the minus strand). VCF-style: chr14-23413760-T-G. GRCh37 (hg19) VCF-style: chr14-23882969-T-G.
Other names: c.5789A>C, p.Lys1930Thr (NM_001407004.1); short protein forms K1930T.
Identifiers: ClinVar variation 2127118 (VCV002127118.4), dbSNP rs1892065412, ClinGen allele CA389034480.